The following is an entry in ClinVar:

NM_003384.3(VRK1):c.1066A>G (p.Lys356Glu)

Gene: VRK1 (VRK serine/threonine kinase 1; plus strand). Cytogenetic location: 14q32.2.
Variant type: single nucleotide variant.
Coding change: c.1066A>G on transcript NM_003384.3 (MANE Select); coding-DNA position 1066, A replaced by G.
Protein change: p.Lys356Glu; replaces lysine 356 with glutamic acid.
Molecular consequence: missense variant.
Genome position (GRCh38, 1-based): chr14:96,860,733, A>G. VCF-style: chr14-96860733-A-G. GRCh37 (hg19) VCF-style: chr14-97327070-A-G.
Other names: c.1066A>G, p.Lys356Glu (NM_001411051.1, NM_001411053.1); short protein forms K356E.
Identifiers: ClinVar variation 1715182 (VCV001715182.6), dbSNP rs1223645705, ClinGen allele CA390932325.

ClinVar aggregate classification (germline): Uncertain significance (1 of 4 stars; one submission).

Conditions:
Pontocerebellar hypoplasia type 1A (PCH1A). Also called: PONTOCEREBELLAR HYPOPLASIA WITH ANTERIOR HORN CELL DISEASE; PONTOCEREBELLAR HYPOPLASIA WITH INFANTILE SPINAL MUSCULAR ATROPHY. Identifiers: Orphanet 2254, Orphanet 88616, MedGen C1843504, MONDO:0011866, OMIM 607596.

Submission:

Labcorp Genetics (formerly Invitae), Labcorp
Classification: Uncertain significance for Pontocerebellar hypoplasia type 1A. Last evaluated: 2022-08-20. Review status: criteria provided, single submitter. Criteria: Invitae Variant Classification Sherloc (09022015). Collection method: clinical testing. Allele origin: germline.
Comment: In summary, the available evidence is currently insufficient to determine the role of this variant in disease. Therefore, it has been classified as a Variant of Uncertain Significance. Algorithms developed to predict the effect of missense changes on protein structure and function are either unavailable or do not agree on the potential impact of this missense change (SIFT: "Deleterious"; PolyPhen-2: "Benign"; Align-GVGD: "Class C0"). This variant has not been reported in the literature in individuals affected with VRK1-related conditions. This variant is not present in population databases (gnomAD no frequency). This sequence change replaces lysine, which is basic and polar, with glutamic acid, which is acidic and polar, at codon 356 of the VRK1 protein (p.Lys356Glu).